The following is an entry in ClinVar:

NM_019616.4(F7):c.1181G>A (p.Trp394Ter)

Gene: F7 (coagulation factor VII; plus strand). Cytogenetic location: 13q34.
Variant type: single nucleotide variant.
Coding change: c.1181G>A on transcript NM_019616.4 (MANE Select); coding-DNA position 1181, G replaced by A.
Protein change: p.Trp394Ter; replaces tryptophan 394 with a stop codon.
Molecular consequence: nonsense. On other transcripts: non-coding transcript variant (1).
Genome position (GRCh38, 1-based): chr13:113,118,854, G>A. VCF-style: chr13-113118854-G-A. GRCh37 (hg19) VCF-style: chr13-113773168-G-A.
Other names: c.1247G>A, p.Trp416Ter (NM_000131.5); c.995G>A, p.Trp332Ter (NM_001267554.2); short protein forms W394*, W332*, W416*.
Identifiers: ClinVar variation 3037080 (VCV003037080.2), dbSNP rs1460304955, ClinGen allele CA388786898.
Genomic context (GRCh38, chr13:113,118,854, plus strand): 5'-GCAAGGACTCCTGCAAGGGGGACAGTGGAGGCCCACATGCCACCCACTACCGGGGCACGT[G>A]GTACCTGACGGGCATCGTCAGCTGGGGCCAGGGCTGCGCAACCGTGGGCCACTTTGGGGT-3'

ClinVar aggregate classification (germline): Likely pathogenic (0 of 4 stars; one submission).

Conditions:
F7-related disorder. Also called: F7-related condition.

Allele frequency attached by ClinVar (database versions not stated): gnomAD exomes 0.00001; TOPMed 0.00002; gnomAD 0.00002.

Submission:

PreventionGenetics, part of Exact Sciences
Classification: Likely pathogenic for F7-related condition. Last evaluated: 2024-01-17. Review status: no assertion criteria provided. Collection method: clinical testing. Allele origin: germline.
Comment: The F7 c.1247G>A variant is predicted to result in premature protein termination (p.Trp416*). This variant was reported in an individual with Factor VII deficiency (Bernardi et al 1994. PubMed ID: 8043443). This variant has not been reported in a large population database, indicating this variant is rare. Nonsense variants in F7 are expected to be pathogenic. This variant is interpreted as likely pathogenic.